The following is an entry in ClinVar:

NM_032119.4(ADGRV1):c.18395G>A (p.Trp6132Ter)

Gene: ADGRV1 (adhesion G protein-coupled receptor V1; plus strand). Cytogenetic location: 5q14.3.
Variant type: single nucleotide variant.
Coding change: c.18395G>A on transcript NM_032119.4 (MANE Select); coding-DNA position 18395, G replaced by A.
Protein change: p.Trp6132Ter; replaces tryptophan 6132 with a stop codon.
Molecular consequence: nonsense. On other transcripts: non-coding transcript variant (1).
Genome position (GRCh38, 1-based): chr5:91,102,303, G>A. VCF-style: chr5-91102303-G-A. GRCh37 (hg19) VCF-style: chr5-90398120-G-A.
Other names: short protein forms W6132*.
Identifiers: ClinVar variation 1424060 (VCV001424060.6), dbSNP rs2126647142, ClinGen allele CA360431522.
Genomic context (GRCh38, chr5:91,102,303, plus strand): 5'-TTGCTCTGATTTCCGTGACATGGCTTTGGGGAGGACTACACATGGCCTACAGACACTTCT[G>A]GATGTTGGTTCTCTTTGTCATTTTCAACAGTCTGCAGGTAAGCCTTACAATTTGGTTAGT-3'

ClinVar aggregate classification (germline): Pathogenic (1 of 4 stars; one submission).

Submission:

Labcorp Genetics (formerly Invitae), Labcorp
Classification: Pathogenic. Last evaluated: 2023-07-17. Review status: criteria provided, single submitter. Criteria: Invitae Variant Classification Sherloc (09022015). Collection method: clinical testing. Allele origin: germline.
Comment: For these reasons, this variant has been classified as Pathogenic. ClinVar contains an entry for this variant (Variation ID: 1424060). This variant has not been reported in the literature in individuals affected with ADGRV1-related conditions. This variant is not present in population databases (gnomAD no frequency). This sequence change creates a premature translational stop signal (p.Trp6132*) in the ADGRV1 gene. It is expected to result in an absent or disrupted protein product. Loss-of-function variants in ADGRV1 are known to be pathogenic (PMID: 19357117, 22135276, 22147658, 26226137, 30718709, 31047384, 32467589).

Literature cited by the submitters: PubMed 19357117; PubMed 22135276; PubMed 22147658; PubMed 26226137; PubMed 30718709; PubMed 31047384; PubMed 32467589.